The following is an entry in ClinVar:

NM_004260.4(RECQL4):c.3581C>A (p.Ala1194Asp)

Gene: RECQL4 (RecQ like helicase 4; minus strand). Cytogenetic location: 8q24.3.
Variant type: single nucleotide variant.
Coding change: c.3581C>A on transcript NM_004260.4 (MANE Select); coding-DNA position 3581, C replaced by A.
Protein change: p.Ala1194Asp; replaces alanine 1194 with aspartic acid.
Molecular consequence: missense variant.
Genome position (GRCh38, 1-based): chr8:144,511,477, G>T on the plus strand (C>A on the coding strand, the complement: RECQL4 is on the minus strand). VCF-style: chr8-144511477-G-T. GRCh37 (hg19) VCF-style: chr8-145736860-G-T.
Other names: c.3287C>A, p.Ala1096Asp (NM_001413017.1); c.3383C>A, p.Ala1128Asp (NM_001413018.1); c.3656C>A, p.Ala1219Asp (NM_001413019.1); c.3485C>A, p.Ala1162Asp (NM_001413020.1); c.2510C>A, p.Ala837Asp (NM_001413021.1, NM_001413022.1, NM_001413024.1 and 4 more transcripts); c.2585C>A, p.Ala862Asp (NM_001413023.1); c.3452C>A, p.Ala1151Asp (NM_001413025.1); c.2444C>A, p.Ala815Asp (NM_001413027.1, NM_001413030.1, NM_001413032.1); and 9 more; short protein forms A1077D, A1151D, A1184D, A827D, A1096D, A1128D, A1162D, A705D.
Identifiers: ClinVar variation 2104614 (VCV002104614.4), dbSNP rs1827178887, ClinGen allele CA372665707.
Genomic context (GRCh38, chr8:144,511,477, plus strand): 5'-CCAATGCAGTGCAGTCAGCGGGCCACCTGCAGGAGCTCTTCCGTGGCCAGGCCCACCAGG[G>T]CATGGAAGCTCAGGTGCAGGTATTTTCTCCAGAAGCGTCGGTCCTGCCCGTACACCTGGG-3'
Protein context (NP_004251.4, residues 1184-1204): WRKYLHLSFH[Ala1194Asp]LVGLATEELL

ClinVar aggregate classification (germline): Uncertain significance (1 of 4 stars; one submission).

Conditions:
Baller-Gerold syndrome (BGS). Also called: CRANIOSYNOSTOSIS WITH RADIAL DEFECTS. Identifiers: Orphanet 1225, MedGen C0265308, MONDO:0009039, OMIM 218600.

Submission:

Labcorp Genetics (formerly Invitae), Labcorp
Classification: Uncertain significance for Baller-Gerold syndrome. Last evaluated: 2022-10-08. Review status: criteria provided, single submitter. Criteria: Invitae Variant Classification Sherloc (09022015). Collection method: clinical testing. Allele origin: germline.
Comment: In summary, the available evidence is currently insufficient to determine the role of this variant in disease. Therefore, it has been classified as a Variant of Uncertain Significance. Experimental studies and prediction algorithms are not available or were not evaluated, and the functional significance of this variant is currently unknown. This variant has not been reported in the literature in individuals affected with RECQL4-related conditions. This variant is not present in population databases (gnomAD no frequency). This sequence change replaces alanine, which is neutral and non-polar, with aspartic acid, which is acidic and polar, at codon 1194 of the RECQL4 protein (p.Ala1194Asp).